The following is an entry in ClinVar:

NM_004304.5(ALK):c.1566T>G (p.Ser522Arg)

Gene: ALK (ALK receptor tyrosine kinase; minus strand). Cytogenetic location: 2p23.2.
Variant type: single nucleotide variant.
Coding change: c.1566T>G on transcript NM_004304.5 (MANE Select); coding-DNA position 1566, T replaced by G.
Protein change: p.Ser522Arg; replaces serine 522 with arginine.
Molecular consequence: missense variant.
Genome position (GRCh38, 1-based): chr2:29,318,385, A>C on the plus strand (T>G on the coding strand, the complement: ALK is on the minus strand). VCF-style: chr2-29318385-A-C. GRCh37 (hg19) VCF-style: chr2-29541251-A-C.
Other names: short protein forms S522R.
Identifiers: ClinVar variation 3854434 (VCV003854434.1).

ClinVar aggregate classification (germline): Uncertain significance (1 of 4 stars; one submission).

Conditions:
Hereditary cancer-predisposing syndrome. Also called: Hereditary neoplastic syndrome; Neoplastic Syndromes, Hereditary; Tumor predisposition; Hereditary Cancer Syndrome. Identifiers: Orphanet 140162, MedGen C0027672, MeSH D009386, MONDO:0015356.

Submission:

Ambry Genetics
Classification: Uncertain significance for Hereditary cancer-predisposing syndrome. Last evaluated: 2025-02-19. Review status: criteria provided, single submitter. Criteria: Ambry Variant Classification Scheme 2023. Collection method: clinical testing. Allele origin: germline.
Comment: The p.S522R variant (also known as c.1566T>G), located in coding exon 8 of the ALK gene, results from a T to G substitution at nucleotide position 1566. The serine at codon 522 is replaced by arginine, an amino acid with dissimilar properties. This amino acid position is conserved. In addition, this alteration is predicted to be tolerated by in silico analysis. Based on the available evidence, the clinical significance of this variant remains unclear.